The following is an entry in ClinVar:

ClinVar aggregate classification (germline): Likely pathogenic (1 of 4 stars; one submission).

Conditions:
Mucolipidosis type IV (ML4). Also called: ML IV. Identifiers: Orphanet 578, MedGen C0238286, MONDO:0009653, OMIM 252650.

Submission:

Labcorp Genetics (formerly Invitae), Labcorp
Classification: Likely pathogenic for Mucolipidosis type IV. Last evaluated: 2021-01-14. Review status: criteria provided, single submitter. Criteria: Invitae Variant Classification Sherloc (09022015). Collection method: clinical testing. Allele origin: germline.
Comment: This variant results in the deletion of part of exon 4 (c.406-1_417del) of the MCOLN1 gene. It is expected to disrupt RNA splicing. Variants that disrupt the donor or acceptor splice site typically lead to a loss of protein function (PMID: 16199547), and loss-of-function variants in MCOLN1 are known to be pathogenic (PMID: 11030752, 11317355). This variant is not present in population databases (ExAC no frequency). This variant has not been reported in the literature in individuals with MCOLN1-related conditions. Algorithms developed to predict the effect of sequence changes on RNA splicing suggest that this variant may disrupt the consensus splice site, but this prediction has not been confirmed by published transcriptional studies. In summary, the currently available evidence indicates that the variant is pathogenic, but additional data are needed to prove that conclusively. Therefore, this variant has been classified as Likely Pathogenic.

Literature cited by the submitters: PubMed 16199547; PubMed 11030752; PubMed 11317355.

NM_020533.3(MCOLN1):c.406-1_417del

Gene: MCOLN1 (mucolipin TRP cation channel 1; plus strand). Cytogenetic location: 19p13.2.
Variant type: Deletion.
Coding change: c.406-1_417del on transcript NM_020533.3 (MANE Select); the canonical splice acceptor site of the intron before coding-DNA position 406 through coding-DNA position 417, 13 bases deleted (GTACCTGGCGTTG).
Molecular consequence: splice acceptor variant.
Genome position (GRCh38, 1-based): chr19:7,526,760-7,526,772, GTACCTGGCGTTG deleted. VCF-style (leftmost placement, unchanged base first): chr19-7526759-AGTACCTGGCGTTG-A. GRCh37 (hg19) VCF-style: chr19-7591645-AGTACCTGGCGTTG-A.
Identifiers: ClinVar variation 1465671 (VCV001465671.6), dbSNP rs2146022784, ClinGen allele CA2573155897.